The following is an entry in ClinVar:

ClinVar aggregate classification (germline): Benign (1 of 4 stars; one submission).

Allele frequency attached by ClinVar (database versions not stated): 1000 Genomes Project 0.56769; 1000 Genomes Project 30x 0.57105; gnomAD 0.57521 and 0.57559; TOPMed 0.58004.
gnomAD v4.1: 87,574 of 152,102 alleles (58%); highest among the groups gnomAD compares: East Asian, 62%; 25,373 homozygotes.

Submission:

GeneDx
Classification: Benign. Last evaluated: 2018-06-18. Review status: criteria provided, single submitter. Criteria: GeneDx Variant Classification (06012015). Collection method: clinical testing. Allele origin: germline. Affected: yes.
Comment: This variant is considered likely benign or benign based on one or more of the following criteria: it is a conservative change, it occurs at a poorly conserved position in the protein, it is predicted to be benign by multiple in silico algorithms, and/or has population frequency not consistent with disease.

NM_182961.4(SYNE1):c.11253+266A>G

Gene: SYNE1 (spectrin repeat containing nuclear envelope protein 1; minus strand). Cytogenetic location: 6q25.2.
Variant type: single nucleotide variant.
Coding change: c.11253+266A>G on transcript NM_182961.4 (MANE Select); 266 bases into the intron after coding-DNA position 11253, A replaced by G.
Molecular consequence: intron variant.
Genome position (GRCh38, 1-based): chr6:152,352,997, T>C on the plus strand (A>G on the coding strand, the complement: SYNE1 is on the minus strand). VCF-style: chr6-152352997-T-C. GRCh37 (hg19) VCF-style: chr6-152674132-T-C.
Other names: c.11208+266A>G (NM_033071.5).
Identifiers: ClinVar variation 683938 (VCV000683938.1), dbSNP rs2029412, ClinGen allele CA15435990.
Genomic context (GRCh38, chr6:152,352,997, plus strand): 5'-ACCTGAGTTTAAACTCTTTACAAGCACTGGGCCATTAATTTGAGAGAGAAAGTTTTCTCT[T>C]AATATTGAAGTGTCACACTGGAATTCAGTGAAGACTTTCATGGGTGTCCATGTGTAAGTC-3'